The following is an entry in ClinVar:

ClinVar aggregate classification (germline): Likely benign (1 of 4 stars; one submission).

Submission:

CeGaT Center for Human Genetics Tuebingen
Classification: Likely benign. Last evaluated: 2026-04-01. Review status: criteria provided, single submitter. Criteria: CeGaT Center For Human Genetics Tuebingen Variant Classification Criteria Version 2. Collection method: clinical testing. Allele origin: germline. Affected: yes. Observed: 1 variant allele.
Comment: PRG4: BP4, BP7

NM_005807.6(PRG4):c.1716C>T (p.Thr572=)

Gene: PRG4 (proteoglycan 4; plus strand). Cytogenetic location: 1q31.1.
Variant type: single nucleotide variant.
Coding change: c.1716C>T on transcript NM_005807.6 (MANE Select); coding-DNA position 1716, C replaced by T.
Protein change: p.Thr572=; no amino-acid change (threonine 572 retained).
Molecular consequence: synonymous variant.
Genome position (GRCh38, 1-based): chr1:186,307,435, C>T. VCF-style: chr1-186307435-C-T. GRCh37 (hg19) VCF-style: chr1-186276567-C-T.
Other names: c.1593C>T, p.Thr531= (NM_001127708.3); c.1437C>T, p.Thr479= (NM_001127709.3); c.1314C>T, p.Thr438= (NM_001127710.3); c.1587C>T, p.Thr529= (NM_001303232.2).
Identifiers: ClinVar variation 4871995 (VCV004871995.2).
Genomic context (GRCh38, chr1:186,307,435, plus strand): 5'-TTCACCCACCACCACCAAGGAGCCTGCACCCACCACTCCCAAGGAGCCTGCACCCACCAC[C>T]CCCAAGAAGCCTGCCCCAACTACCCCCAAGGAGCCTGCACCCACCACTCCCAAGGAACCT-3'
Protein context (NP_005798.3, residues 562-582): PTTPKEPAPT[Thr572=]PKKPAPTTPK